The following is an entry in ClinVar:

ClinVar aggregate classification (germline): Likely benign (1 of 4 stars; one submission).

Allele frequency attached by ClinVar (database versions not stated): gnomAD exomes 0.00003; ExAC 0.00006; 1000 Genomes Project 30x 0.00016; 1000 Genomes Project 0.00020; gnomAD 0.00021; TOPMed 0.00024.
gnomAD v4.1: 74 of 1,326,678 alleles (0.0056%); highest among the groups gnomAD compares: African/African-American, 0.086%; no homozygotes.

Submission:

Women's Health and Genetics/Laboratory Corporation of America, LabCorp
Classification: Likely benign. Last evaluated: 2024-04-18. Review status: criteria provided, single submitter. Criteria: LabCorp Variant Classification Summary - May 2015. Collection method: clinical testing. Allele origin: germline.
Comment: Variant summary: VWF c.3109-18C>T alters a non-conserved nucleotide located at a position not widely known to affect splicing. Consensus agreement among computation tools predict no significant impact on normal splicing. However, these predictions have yet to be confirmed by functional studies. The variant allele was found at a frequency of 7.3e-05 in 178860 control chromosomes. To our knowledge, no occurrence of c.3109-18C>T in individuals affected with Von Willebrand Disease and no experimental evidence demonstrating its impact on protein function have been reported. No submitters have cited clinical-significance assessments for this variant to ClinVar. Based on the evidence outlined above, the variant was classified as likely benign.

NM_000552.5(VWF):c.3109-18C>T

Gene: VWF (von Willebrand factor; minus strand). Cytogenetic location: 12p13.31.
Variant type: single nucleotide variant.
Coding change: c.3109-18C>T on transcript NM_000552.5 (MANE Select); 18 bases into the intron before coding-DNA position 3109, C replaced by T.
Molecular consequence: intron variant.
Genome position (GRCh38, 1-based): chr12:6,025,711, G>A on the plus strand (C>T on the coding strand, the complement: VWF is on the minus strand). VCF-style: chr12-6025711-G-A. GRCh37 (hg19) VCF-style: chr12-6134877-G-A.
Identifiers: ClinVar variation 3251886 (VCV003251886.1), dbSNP rs553895003.